The following is an entry in ClinVar:

ClinVar aggregate classification (germline): Uncertain significance (1 of 4 stars; one submission).

Submission:

Labcorp Genetics (formerly Invitae), Labcorp
Classification: Uncertain significance. Last evaluated: 2022-02-24. Review status: criteria provided, single submitter. Criteria: Invitae Variant Classification Sherloc (09022015). Collection method: clinical testing. Allele origin: germline.
Comment: This variant is not present in population databases (gnomAD no frequency). In summary, the available evidence is currently insufficient to determine the role of this variant in disease. Therefore, it has been classified as a Variant of Uncertain Significance. Algorithms developed to predict the effect of missense changes on protein structure and function (SIFT, PolyPhen-2, Align-GVGD) all suggest that this variant is likely to be disruptive. This variant has not been reported in the literature in individuals affected with RP1-related conditions. This sequence change replaces proline, which is neutral and non-polar, with threonine, which is neutral and polar, at codon 126 of the RP1 protein (p.Pro126Thr).

NM_006269.2(RP1):c.376C>A (p.Pro126Thr)

Gene: RP1 (RP1 axonemal microtubule associated; plus strand). Cytogenetic location: 8q12.1.
Variant type: single nucleotide variant.
Coding change: c.376C>A on transcript NM_006269.2 (MANE Select); coding-DNA position 376, C replaced by A.
Protein change: p.Pro126Thr; replaces proline 126 with threonine.
Molecular consequence: missense variant.
Genome position (GRCh38, 1-based): chr8:54,621,342, C>A. VCF-style: chr8-54621342-C-A. GRCh37 (hg19) VCF-style: chr8-55533902-C-A.
Other names: c.376C>A, p.Pro126Thr (NM_001375654.1); short protein forms P126T.
Identifiers: ClinVar variation 1464356 (VCV001464356.6), dbSNP rs2129314310, ClinGen allele CA370986493.
Genomic context (GRCh38, chr8:54,621,342, plus strand): 5'-TGTTCCCACGGCAGGAAGGTGCAGCCTGTAGACCTGGACAAAGCCCGTCGGCGCCCGCGG[C>A]CCTGGCTCAGCAGCCGGGCCATTAGCGCGCACTCACCGCCCCACCCCGTAGCCGTCGCTG-3'
Protein context (NP_006260.1, residues 116-136): DLDKARRRPR[Pro126Thr]WLSSRAISAH